The following is an entry in ClinVar:

ClinVar aggregate classification (germline): Uncertain significance (1 of 4 stars; one submission).

Submission:

Labcorp Genetics (formerly Invitae), Labcorp
Classification: Uncertain significance. Last evaluated: 2025-08-17. Review status: criteria provided, single submitter. Criteria: Invitae Variant Classification Sherloc (09022015). Collection method: clinical testing. Allele origin: germline.
Comment: This sequence change replaces threonine, which is neutral and polar, with isoleucine, which is neutral and non-polar, at codon 3102 of the KMT2A protein (p.Thr3102Ile). This variant is not present in population databases (gnomAD no frequency). This variant has not been reported in the literature in individuals affected with KMT2A-related conditions. Invitae Evidence Modeling of protein sequence and biophysical properties (such as structural, functional, and spatial information, amino acid conservation, physicochemical variation, residue mobility, and thermodynamic stability) has been performed for this missense variant. However, the output from this modeling did not meet the statistical confidence thresholds required to predict the impact of this variant on KMT2A protein function. In summary, the available evidence is currently insufficient to determine the role of this variant in disease. Therefore, it has been classified as a Variant of Uncertain Significance.

NM_001197104.2(KMT2A):c.9305C>T (p.Thr3102Ile)

Gene: KMT2A (lysine methyltransferase 2A; plus strand). Cytogenetic location: 11q23.3.
Variant type: single nucleotide variant.
Coding change: c.9305C>T on transcript NM_001197104.2 (MANE Select); coding-DNA position 9305, C replaced by T.
Protein change: p.Thr3102Ile; replaces threonine 3102 with isoleucine.
Molecular consequence: missense variant.
Genome position (GRCh38, 1-based): chr11:118,505,197, C>T. VCF-style: chr11-118505197-C-T. GRCh37 (hg19) VCF-style: chr11-118375912-C-T.
Other names: c.9395C>T, p.Thr3132Ile (NM_001412597.1); c.9296C>T, p.Thr3099Ile (NM_005933.4); short protein forms T3099I, T3132I, T3102I.
Identifiers: ClinVar variation 4760579 (VCV004760579.1).